The following is an entry in ClinVar:

NM_000075.4(CDK4):c.70C>T (p.Arg24Cys)

Gene: CDK4 (cyclin dependent kinase 4; minus strand). Cytogenetic location: 12q14.1.
Variant type: single nucleotide variant.
Coding change: c.70C>T on transcript NM_000075.4 (MANE Select); coding-DNA position 70, C replaced by T.
Protein change: p.Arg24Cys; replaces arginine 24 with cysteine.
Molecular consequence: missense variant.
Genome position (GRCh38, 1-based): chr12:57,751,648, G>A on the plus strand (C>T on the coding strand, the complement: CDK4 is on the minus strand). VCF-style: chr12-57751648-G-A. GRCh37 (hg19) VCF-style: chr12-58145431-G-A.
Other names: c.70C>T (LRG_490t1); short protein forms R24C.
Identifiers: ClinVar variation 16928 (VCV000016928.20), dbSNP rs11547328, ClinGen allele CA126982.

ClinVar aggregate classification (germline): Pathogenic. Review status: criteria provided, multiple submitters, no conflicts (2 of 4 stars). 7 submissions from 7 submitters: Pathogenic (5). 2 of the submissions do not count toward it. Last evaluated 2026-01-20.

Conditions:
Familial melanoma. Also called: Hereditary cutaneous melanoma; Hereditary melanoma. Identifiers: Orphanet 618, MedGen C1512419, MONDO:0018961.
Hereditary cancer-predisposing syndrome. Also called: Hereditary Cancer Syndrome; Neoplastic Syndromes, Hereditary; Hereditary neoplastic syndrome; Tumor predisposition. Identifiers: Orphanet 140162, MedGen C0027672, MeSH D009386, MONDO:0015356.
Melanoma, cutaneous malignant, susceptibility to, 3. Also called: Cutaneous malignant melanoma 3. Identifiers: Orphanet 618, MedGen C1836892, MONDO:0012183, OMIM 609048.

Allele frequency attached by ClinVar (database versions not stated): ExAC 0.00001; gnomAD exomes below 0.00001.
gnomAD v4.1: 1 of 1,614,170 alleles (0.000062%); highest among the groups gnomAD compares: East Asian, 0.0022%; no homozygotes.

Submissions (7):

Labcorp Genetics (formerly Invitae), Labcorp
Classification: Pathogenic for Familial melanoma. Last evaluated: 2026-01-20. Review status: criteria provided, single submitter. Criteria: Invitae Variant Classification Sherloc (09022015). Collection method: clinical testing. Allele origin: germline.
Comment: This sequence change replaces arginine, which is basic and polar, with cysteine, which is neutral and slightly polar, at codon 24 of the CDK4 protein (p.Arg24Cys). This variant is present in population databases (rs11547328, gnomAD 0.006%). This missense change has been observed in individual(s) with melanoma (PMID: 8528263, 23384855). It has also been observed to segregate with disease in related individuals. ClinVar contains an entry for this variant (Variation ID: 16928). An algorithm developed to predict the effect of missense changes on protein structure and function (PolyPhen-2) suggests that this variant is likely to be tolerated. Experimental studies have shown that this missense change affects CDK4 function (PMID: 7652577, 11756559). For these reasons, this variant has been classified as Pathogenic.

Ambry Genetics
Classification: Pathogenic for Hereditary cancer-predisposing syndrome. Last evaluated: 2023-12-27. Review status: criteria provided, single submitter. Criteria: Ambry Variant Classification Scheme 2023. Collection method: clinical testing. Allele origin: germline.
Comment: The p.R24C pathogenic mutation (also known as c.70C>T), located in coding exon 1 of the CDK4 gene, results from a C to T substitution at nucleotide position 70. The arginine at codon 24 is replaced by cysteine, an amino acid with highly dissimilar properties. This alteration has been reported in the literature to segregate with melanoma in six different families (Zuo L et al. Nat. Genet., 1996 Jan;12:97-9; Puntervoll HE et al. J. Med. Genet., 2013 Apr;50:264-70). Additionally, this variant has been shown to disrupt p16INK4a binding and inhibition of CDK4, which results in an increase in CDK4 kinase activity (W&ouml;lfel T et al. Science, 1995 Sep;269:1281-4). Mouse in vivo studies demonstrated that mice with this variant showed significantly increased susceptibility to the development of CDK4 related tumors (Rane SG et al. Mol. Cell. Biol., 2002 Jan;22:644-56). This amino acid position is highly conserved in available vertebrate species. In addition, this alteration is predicted to be deleterious by in silico analysis. Based on the supporting evidence, this alteration is interpreted as a disease-causing mutation.

Color Diagnostics, LLC DBA Color Health
Classification: Pathogenic for Hereditary cancer-predisposing syndrome. Last evaluated: 2020-04-30. Review status: criteria provided, single submitter. Criteria: ACMG Guidelines, 2015. Collection method: clinical testing. Allele origin: germline.
Comment: This missense variant replaces arginine with cysteine at codon 24 of the CDK4 protein. Computational prediction is inconclusive regarding the impact of this variant on protein structure and function (internally defined REVEL score threshold 0.5 < inconclusive < 0.7, PMID: 27666373). Experimental functional studies have shown that this variant impairs interaction with CDKN2A (p16-INK4a) preventing inhibition by p16-INK4a and allowing for unregulated CDK4 kinase activity, cell cycle progression and cellular transformation (PMID: 11756559, 7652577, 9228064). This variant has been reported in individuals affected with melanoma (PMID: 8528263, 22804906 23384855) and has been shown to segregate with disease (PMID: 23384855, 8528263). This variant has been identified in 1/251466 chromosomes in the general population by the Genome Aggregation Database (gnomAD). Based on the available evidence, this variant is classified as Pathogenic.

Women's Health and Genetics/Laboratory Corporation of America, LabCorp
Classification: Pathogenic for Familial melanoma. Last evaluated: 2017-08-15. Review status: criteria provided, single submitter. Criteria: LabCorp Variant Classification Summary - May 2015. Collection method: clinical testing. Allele origin: germline.
Comment: Variant summary: The CDK4 c.70C>T (p.Arg24Cys) variant involves the alteration of a conserved nucleotide and is located in protein kinase domain of the protein (InterPro). 3/4 in silico tools predict a damaging outcome for this variant (SNPsandGO not captured due to low reliability index). This variant was found in 1/121378 control chromosomes from ExAC at a frequency of 0.0000082, which does not exceed the estimated maximal expected allele frequency of a pathogenic CDK4 variant (0.00002). This variant has been reported in six unrelated cutaneous malignant melanoma families including evidence of cosegregation with disease (Zuo_1996, Ghiorzo_2012, Puntervoll_2013). In vivo mice-model study shows the recapitulation of melanoma phenotype (Rane_2002). The codon p.Arg24 is a mutational hot-spot in which another mutation p.Arg24His is known to be pathogenic. Multiple clinical diagnostic laboratories in ClinVar have classified this variant as pathogenic. Taken together, this variant is classified as pathogenic.

GeneDx
Classification: Pathogenic. Last evaluated: 2016-04-26. Review status: criteria provided, single submitter. Criteria: GeneDx Variant Classification (06012015). Collection method: clinical testing. Allele origin: germline. Affected: yes.
Comment: This pathogenic variant is denoted CDK4 c.70C>T at the cDNA level, p.Arg24Cys (R24C) at the protein level, and results in the change of an Arginine to a Cysteine (CGT>TGT). This variant has been reported to segregate with melanoma in several melanoma families (Zuo 1996, Puntervoll 2013). Functional studies have shown that this variant disrupts binding with CDKN2A, resulting in resistance to CDKN2A inhibition and increased CDK4 kinase activity (Wolfel 1995, Rane 2002). CDK4 Arg24Cys was not observed in approximately 6,500 individuals of European and African American ancestry in the NHLBI Exome Sequencing Project, suggesting it is not a common benign variant in these populations. Since Arginine and Cysteine differ in polarity, charge, size or other properties, this is considered a non-conservative amino acid substitution. CDK4 Arg24Cys occurs at a position that is conserved across species and is located in the protein kinase domain (UniProt). In silico analyses are inconsistent regarding the effect this pathogenic variant may have on protein structure and function. Based on currently available evidence, we consider this variant to be pathogenic.

Counsyl
Classification: Pathogenic for Melanoma, cutaneous malignant, susceptibility to, 3. Last evaluated: 2016-05-26. Review status: no assertion criteria provided. Collection method: clinical testing. Allele origin: unknown. Not counted in ClinVar's aggregate classification.

OMIM
Classification: risk factor for MELANOMA, CUTANEOUS MALIGNANT, SUSCEPTIBILITY TO, 3. Last evaluated: 1996-01-01. Review status: no assertion criteria provided. Collection method: literature only. Allele origin: unknown. Not counted in ClinVar's aggregate classification.

Literature cited by the submitters: PubMed 8528263 (cited by 4 submitters); PubMed 23384855 (cited by 3 submitters); PubMed 7652577 (cited by 4 submitters); PubMed 11756559 (cited by Labcorp Genetics (formerly Invitae), Labcorp and Ambry Genetics); PubMed 9228064 (cited by Counsyl); PubMed 22804906 (cited by Counsyl).